The following is an entry in ClinVar:

ClinVar aggregate classification (germline): Likely benign. Review status: criteria provided, single submitter (1 of 4 stars). 2 submissions from 2 submitters: Likely benign (1). 1 of the submissions does not count toward it. Last evaluated 2023-04-22.

Conditions:
BBS9-related disorder. Also called: BBS9-related condition.
Bardet-Biedl syndrome (BBS). Identifiers: Orphanet 110, MedGen C0752166, MONDO:0015229.

Allele frequency attached by ClinVar (database versions not stated): gnomAD exomes below 0.00001.
gnomAD v4.1: 3 of 1,613,932 alleles (0.00019%); highest among the groups gnomAD compares: Admixed American, 0.0017%; no homozygotes.

Submissions (2):

Labcorp Genetics (formerly Invitae), Labcorp
Classification: Likely benign for Bardet-Biedl syndrome. Last evaluated: 2023-04-22. Review status: criteria provided, single submitter. Criteria: Invitae Variant Classification Sherloc (09022015). Collection method: clinical testing. Allele origin: germline.

PreventionGenetics, part of Exact Sciences
Classification: Likely benign for BBS9-related condition. Last evaluated: 2023-03-14. Review status: no assertion criteria provided. Collection method: clinical testing. Allele origin: germline. Not counted in ClinVar's aggregate classification.
Comment: This variant is classified as likely benign based on ACMG/AMP sequence variant interpretation guidelines (Richards et al. 2015 PMID: 25741868, with internal and published modifications).

NM_198428.3(BBS9):c.1716T>C (p.Asp572=)

Gene: BBS9 (Bardet-Biedl syndrome 9; plus strand). Cytogenetic location: 7p14.3.
Variant type: single nucleotide variant.
Coding change: c.1716T>C on transcript NM_198428.3 (MANE Select); coding-DNA position 1716, T replaced by C.
Protein change: p.Asp572=; no amino-acid change (aspartic acid 572 retained).
Molecular consequence: synonymous variant. On other transcripts: non-coding transcript variant (3).
Genome position (GRCh38, 1-based): chr7:33,367,789, T>C. VCF-style: chr7-33367789-T-C. GRCh37 (hg19) VCF-style: chr7-33407401-T-C.
Other names: c.1581T>C, p.Asp527= (NM_001348042.3); c.1716T>C, p.Asp572= (NM_001348043.3, NM_001348036.1, NM_001362679.1 and 3 more transcripts); c.1245T>C, p.Asp415= (NM_001348044.3); c.1350T>C, p.Asp450= (NM_001348037.3, NM_001348045.3, NM_001348046.3); c.1611T>C, p.Asp537= (NM_001033604.2); c.1701T>C, p.Asp567= (NM_001033605.2); c.1443T>C, p.Asp481= (NM_001348038.3); c.1338T>C, p.Asp446= (NM_001348039.3); and 2 more.
Identifiers: ClinVar variation 2783717 (VCV002783717.5), dbSNP rs1411655897, ClinGen allele CA454452909.